The following is an entry in ClinVar:

NM_004100.5(EYA4):c.62T>G (p.Val21Gly)

Gene: EYA4 (EYA transcriptional coactivator and phosphatase 4; plus strand). Cytogenetic location: 6q23.2.
Variant type: single nucleotide variant.
Coding change: c.62T>G on transcript NM_004100.5 (MANE Select); coding-DNA position 62, T replaced by G.
Protein change: p.Val21Gly; replaces valine 21 with glycine.
Molecular consequence: missense variant.
Genome position (GRCh38, 1-based): chr6:133,382,420, T>G. VCF-style: chr6-133382420-T-G. GRCh37 (hg19) VCF-style: chr6-133703558-T-G.
Other names: c.62T>G, p.Val21Gly (NM_001301012.2, NM_001301013.2, NM_001370458.1 and 3 more transcripts); short protein forms V21G.
Identifiers: ClinVar variation 1470641 (VCV001470641.10), dbSNP rs1786300577, ClinGen allele CA365837839.

ClinVar aggregate classification (germline): Uncertain significance. Review status: criteria provided, multiple submitters, no conflicts (2 of 4 stars). 3 submissions from 3 submitters: Uncertain significance (3). Last evaluated 2025-07-20.

Conditions:
Dilated cardiomyopathy 1J (CMD1J). Also called: CARDIOMYOPATHY, DILATED, WITH SENSORINEURAL HEARING LOSS, AUTOSOMAL DOMINANT. Identifiers: Orphanet 217622, MedGen C1854368, MONDO:0011541, OMIM 605362.
EYA4-related disorder. Also called: EYA4-related disorders; EYA4-related condition. Identifiers: MedGen CN239388.

Allele frequency attached by ClinVar (database versions not stated): gnomAD exomes below 0.00001; TOPMed below 0.00001.
gnomAD v4.1: 4 of 1,611,254 alleles (0.00025%); highest among the groups gnomAD compares: Middle Eastern, 0.017%; no homozygotes.

Submissions (3):

PreventionGenetics, part of Exact Sciences
Classification: Uncertain significance for EYA4-related condition. Last evaluated: 2025-07-20. Review status: criteria provided, single submitter. Criteria: ACMG Guidelines, 2015. Collection method: clinical testing. Allele origin: germline.
Comment: The EYA4 c.62T>G variant is predicted to result in the amino acid substitution p.Val21Gly. To our knowledge, this variant has not been reported in the literature or in a large population database (gnomAD), indicating this variant is rare. At this time, the clinical significance of this variant is uncertain due to the absence of conclusive functional and genetic evidence.

Labcorp Genetics (formerly Invitae), Labcorp
Classification: Uncertain significance for Dilated cardiomyopathy 1J. Last evaluated: 2022-08-23. Review status: criteria provided, single submitter. Criteria: Invitae Variant Classification Sherloc (09022015). Collection method: clinical testing. Allele origin: germline.
Comment: This variant is not present in population databases (gnomAD no frequency). This variant has not been reported in the literature in individuals affected with EYA4-related conditions. ClinVar contains an entry for this variant (Variation ID: 1470641). Algorithms developed to predict the effect of missense changes on protein structure and function (SIFT, PolyPhen-2, Align-GVGD) all suggest that this variant is likely to be tolerated. In summary, the available evidence is currently insufficient to determine the role of this variant in disease. Therefore, it has been classified as a Variant of Uncertain Significance. This sequence change replaces valine, which is neutral and non-polar, with glycine, which is neutral and non-polar, at codon 21 of the EYA4 protein (p.Val21Gly).

GeneDx
Classification: Uncertain significance. Last evaluated: 2022-07-29. Review status: criteria provided, single submitter. Criteria: GeneDx Variant Classification Process June 2021. Collection method: clinical testing. Allele origin: germline. Affected: yes.
Comment: Not observed at significant frequency in large population cohorts (gnomAD); In silico analysis supports that this missense variant does not alter protein structure/function; Has not been previously published as pathogenic or benign to our knowledge